The following is an entry in ClinVar:

ClinVar aggregate classification (germline): Uncertain significance (1 of 4 stars; one submission).

Submission:

Labcorp Genetics (formerly Invitae), Labcorp
Classification: Uncertain significance. Last evaluated: 2022-09-19. Review status: criteria provided, single submitter. Criteria: Invitae Variant Classification Sherloc (09022015). Collection method: clinical testing. Allele origin: germline.
Comment: This variant has not been reported in the literature in individuals affected with TAOK2-related conditions. This sequence change replaces leucine, which is neutral and non-polar, with phenylalanine, which is neutral and non-polar, at codon 164 of the TAOK2 protein (p.Leu164Phe). This variant is not present in population databases (gnomAD no frequency). Algorithms developed to predict the effect of missense changes on protein structure and function are either unavailable or do not agree on the potential impact of this missense change (SIFT: "Tolerated"; PolyPhen-2: "Possibly Damaging"; Align-GVGD: "Class C0"). In summary, the available evidence is currently insufficient to determine the role of this variant in disease. Therefore, it has been classified as a Variant of Uncertain Significance.

NM_016151.4(TAOK2):c.492A>C (p.Leu164Phe)

Gene: TAOK2 (TAO kinase 2; plus strand). Cytogenetic location: 16p11.2.
Variant type: single nucleotide variant.
Coding change: c.492A>C on transcript NM_016151.4 (MANE Select); coding-DNA position 492, A replaced by C.
Protein change: p.Leu164Phe; replaces leucine 164 with phenylalanine.
Molecular consequence: missense variant.
Genome position (GRCh38, 1-based): chr16:29,979,237, A>C. VCF-style: chr16-29979237-A-C. GRCh37 (hg19) VCF-style: chr16-29990558-A-C.
Other names: c.492A>C, p.Leu164Phe (NM_001252043.2, NM_004783.4); short protein forms L164F.
Identifiers: ClinVar variation 1719819 (VCV001719819.5), dbSNP rs2543610796, ClinGen allele CA395472098.